The following is an entry in ClinVar:

NM_000059.4(BRCA2):c.9550C>G (p.Leu3184Val)

Gene: BRCA2 (BRCA2 DNA repair associated; plus strand). Cytogenetic location: 13q13.1.
Variant type: single nucleotide variant.
Coding change: c.9550C>G on transcript NM_000059.4 (MANE Select); coding-DNA position 9550, C replaced by G.
Protein change: p.Leu3184Val; replaces leucine 3184 with valine.
Molecular consequence: missense variant.
Genome position (GRCh38, 1-based): chr13:32,396,946, C>G. VCF-style: chr13-32396946-C-G. GRCh37 (hg19) VCF-style: chr13-32971083-C-G.
Other names: short protein forms L3184V.
Identifiers: ClinVar variation 233655 (VCV000233655.25), dbSNP rs876660551, ClinGen allele CA10579836.

ClinVar aggregate classification (germline): Conflicting classifications of pathogenicity. Review status: criteria provided, conflicting classifications (1 of 4 stars). 4 submissions from 4 submitters: Uncertain significance (3); Likely benign (1). Last evaluated 2025-05-16.

Conditions:
Hereditary breast ovarian cancer syndrome. Also called: Hereditary breast and ovarian cancer syndrome; BRCA1- and BRCA2-Associated Hereditary Breast and Ovarian Cancer; Breast and ovarian cancer; Hereditary breast and/or ovarian cancer syndrome; Hereditary breast and ovarian cancer; Hereditary breast and ovarian cancer syndrome (HBOC). Identifiers: Orphanet 145, MedGen C0677776, MeSH D061325, MONDO:0003582. Disease mechanism: loss of function.
Hereditary cancer-predisposing syndrome. Also called: Neoplastic Syndromes, Hereditary; Tumor predisposition; Hereditary Cancer Syndrome; Hereditary neoplastic syndrome. Identifiers: Orphanet 140162, MedGen C0027672, MeSH D009386, MONDO:0015356.

Submissions (4):

Ambry Genetics
Classification: Likely benign for Hereditary cancer-predisposing syndrome. Last evaluated: 2025-05-16. Review status: criteria provided, single submitter. Criteria: Ambry Variant Classification Scheme 2023. Collection method: clinical testing. Allele origin: germline.

Labcorp Genetics (formerly Invitae), Labcorp
Classification: Uncertain significance for Hereditary breast ovarian cancer syndrome. Last evaluated: 2022-04-22. Review status: criteria provided, single submitter. Criteria: Invitae Variant Classification Sherloc (09022015). Collection method: clinical testing. Allele origin: germline.
Comment: In summary, the available evidence is currently insufficient to determine the role of this variant in disease. Therefore, it has been classified as a Variant of Uncertain Significance. Advanced modeling of protein sequence and biophysical properties (such as structural, functional, and spatial information, amino acid conservation, physicochemical variation, residue mobility, and thermodynamic stability) performed at Invitae indicates that this missense variant is not expected to disrupt BRCA2 protein function. ClinVar contains an entry for this variant (Variation ID: 233655). This variant has not been reported in the literature in individuals affected with BRCA2-related conditions. This variant is not present in population databases (gnomAD no frequency). This sequence change replaces leucine, which is neutral and non-polar, with valine, which is neutral and non-polar, at codon 3184 of the BRCA2 protein (p.Leu3184Val).

Color Diagnostics, LLC DBA Color Health
Classification: Uncertain significance for Hereditary cancer-predisposing syndrome. Last evaluated: 2022-01-25. Review status: criteria provided, single submitter. Criteria: ACMG Guidelines, 2015. Collection method: clinical testing. Allele origin: germline.
Comment: This missense variant replaces leucine with valine at codon 3184 of the BRCA2 protein. Computational prediction suggests that this variant may not impact protein structure and function (internally defined REVEL score threshold <= 0.5, PMID: 27666373). To our knowledge, functional studies have not been reported for this variant. This variant has not been reported in individuals affected with hereditary cancer in the literature. This variant has not been identified in the general population by the Genome Aggregation Database (gnomAD). The available evidence is insufficient to determine the role of this variant in disease conclusively. Therefore, this variant is classified as a Variant of Uncertain Significance.

GeneDx
Classification: Uncertain significance. Last evaluated: 2019-07-31. Review status: criteria provided, single submitter. Criteria: GeneDx Variant Classification Process June 2021. Collection method: clinical testing. Allele origin: germline. Affected: yes.
Comment: Not observed in large population cohorts (Lek 2016); In silico analysis, which includes protein predictors and evolutionary conservation, supports that this variant does not alter protein structure/function; Has not been previously reported as pathogenic or benign to our knowledge